The following is an entry in ClinVar:

NM_000044.6(AR):c.170_178del (p.Leu57_Gln59del)

Genes: AR (androgen receptor; plus strand), LOC109504725 (androgen receptor repeat instability region; plus strand). Cytogenetic location: Xq12.
Variant type: Deletion.
Coding change: c.170_178del on transcript NM_000044.6 (MANE Select); coding-DNA positions 170 to 178, 9 bases deleted (TGCAGCAGC; older notation c.170_178delTGCAGCAGC).
Protein change: p.Leu57_Gln59del.
Molecular consequence: 5 prime UTR variant (on NM_001011645.3).
Genome position (GRCh38, 1-based): chrX:67,545,316-67,545,324, TGCAGCAGC deleted; deleting any 9 consecutive bases within chrX:67,545,314-67,545,324 gives the same sequence; the c. name uses the placement nearest the transcript's 3' end. VCF-style (leftmost placement, unchanged base first): chrX-67545313-TGCTGCAGCA-T. GRCh37 (hg19) VCF-style: chrX-66765155-TGCTGCAGCA-T.
Other names: c.170_178del9 (NM_000044.3); c.-1614_-1606del (NM_001011645.3); c.170_178del, p.Leu57_Gln59del (NM_001348061.1, NM_001348063.1, NM_001348064.1).
Identifiers: ClinVar variation 3383400 (VCV003383400.3).

ClinVar aggregate classification (germline): Conflicting classifications of pathogenicity. Review status: criteria provided, conflicting classifications (1 of 4 stars). 2 submissions from 2 submitters: Uncertain significance (1); Likely benign (1). Last evaluated 2025-03-26.

Conditions:
AR-related disorder. Also called: AR-related condition.

Submissions (2):

PreventionGenetics, part of Exact Sciences
Classification: Likely benign for AR-related condition. Last evaluated: 2025-03-26. Review status: criteria provided, single submitter. Criteria: ACMG Guidelines, 2015. Collection method: clinical testing. Allele origin: germline.
Comment: This variant is classified as likely benign based on ACMG/AMP sequence variant interpretation guidelines (Richards et al. 2015 PMID: 25741868, with internal and published modifications).

Centre of Medical Genetics, University Hospital Muenster
Classification: Uncertain significance. Last evaluated: 2021-12-17. Review status: criteria provided, single submitter. Criteria: ACMG Guidelines, 2015. Collection method: clinical testing. Allele origin: unknown. Affected: yes. Observed: 1 variant allele.
Comment: ACMG categories: PM2,PM4